The following is an entry in ClinVar:

NM_000350.3(ABCA4):c.2459A>C (p.Gln820Pro)

Gene: ABCA4 (ATP binding cassette subfamily A member 4; minus strand). Cytogenetic location: 1p22.1.
Variant type: single nucleotide variant.
Coding change: c.2459A>C on transcript NM_000350.3 (MANE Select); coding-DNA position 2459, A replaced by C.
Protein change: p.Gln820Pro; replaces glutamine 820 with proline.
Molecular consequence: missense variant.
Genome position (GRCh38, 1-based): chr1:94,055,239, T>G on the plus strand (A>C on the coding strand, the complement: ABCA4 is on the minus strand). VCF-style: chr1-94055239-T-G. GRCh37 (hg19) VCF-style: chr1-94520795-T-G.
Other names: c.2459A>C (NM_000350.2); c.2237A>C, p.Gln746Pro (NM_001425324.1); short protein forms Q820P, Q746P.
Identifiers: ClinVar variation 1046175 (VCV001046175.9), dbSNP rs914542176, ClinGen allele CA26843397.

ClinVar aggregate classification (germline): Conflicting classifications of pathogenicity. Review status: criteria provided, conflicting classifications (1 of 4 stars). 2 submissions from 2 submitters: Likely pathogenic (1); Uncertain significance (1). Last evaluated 2025-02-17.

Conditions:
ABCA4-related disorder. Also called: ABCA4-related disorders; ABCA4-related condition. Identifiers: MedGen CN239167.

Allele frequency attached by ClinVar (database versions not stated): TOPMed 0.00001.

Submissions (2):

PreventionGenetics, part of Exact Sciences
Classification: Uncertain significance for ABCA4-related condition. Last evaluated: 2025-02-17. Review status: criteria provided, single submitter. Criteria: ACMG Guidelines, 2015. Collection method: clinical testing. Allele origin: germline.
Comment: The ABCA4 c.2459A>C variant is predicted to result in the amino acid substitution p.Gln820Pro. To our knowledge, this variant has not been reported in the literature or in a large population database (gnomAD), indicating this variant is rare. At this time, the clinical significance of this variant is uncertain due to the absence of conclusive functional and genetic evidence.

Labcorp Genetics (formerly Invitae), Labcorp
Classification: Likely pathogenic. Last evaluated: 2023-11-28. Review status: criteria provided, single submitter. Criteria: Invitae Variant Classification Sherloc (09022015). Collection method: clinical testing. Allele origin: germline.
Comment: This sequence change replaces glutamine, which is neutral and polar, with proline, which is neutral and non-polar, at codon 820 of the ABCA4 protein (p.Gln820Pro). This variant is not present in population databases (gnomAD no frequency). This missense change has been observed in individual(s) with Stargardt disease (Invitae). ClinVar contains an entry for this variant (Variation ID: 1046175). Advanced modeling of protein sequence and biophysical properties (such as structural, functional, and spatial information, amino acid conservation, physicochemical variation, residue mobility, and thermodynamic stability) performed at Invitae indicates that this missense variant is expected to disrupt ABCA4 protein function with a positive predictive value of 95%. In summary, the currently available evidence indicates that the variant is pathogenic, but additional data are needed to prove that conclusively. Therefore, this variant has been classified as Likely Pathogenic.